The following is an entry in ClinVar:

ClinVar aggregate classification (germline): Likely pathogenic. Review status: criteria provided, multiple submitters, no conflicts (2 of 4 stars). 3 submissions from 3 submitters: Likely pathogenic (3). Last evaluated 2025-03-30.

Conditions:
Glycogen storage disease, type VII (GSD7). Also called: GSD VII; MUSCLE PHOSPHOFRUCTOKINASE DEFICIENCY; PFKM DEFICIENCY; TARUI DISEASE. Identifiers: Orphanet 371, MedGen C0017926, MONDO:0009295, OMIM 232800.

Allele frequency attached by ClinVar (database versions not stated): gnomAD exomes below 0.00001; TOPMed below 0.00001.
gnomAD v4.1: 3 of 1,608,392 alleles (0.00019%); highest among the groups gnomAD compares: Non-Finnish European, 0.00026%; no homozygotes.

Submissions (3):

Natera, Inc.
Classification: Likely pathogenic for Glycogen storage disease type VII. Last evaluated: 2025-03-30. Review status: criteria provided, single submitter. Criteria: Natera Variant Classification Schema (03/2026). Collection method: clinical testing. Allele origin: germline.
Comment: The c.159+1G>T variant in PFKM is a canonical splice donor site variant predicted to affect pre-mRNA splicing, which may result in an abnormal transcript and altered protein product. This variant is expected to result in nonsense mediated decay, truncation, or a dysfunctional protein product. This variant is rare in the general population with a frequency below the threshold expected for the associated phenotype(s). Given the available evidence, this variant is classified as Likely Pathogenic.

Fulgent Genetics
Classification: Likely pathogenic for Glycogen storage disease, type VII. Last evaluated: 2022-01-13. Review status: criteria provided, single submitter. Criteria: ACMG Guidelines, 2015. Collection method: clinical testing. Allele origin: unknown.

Labcorp Genetics (formerly Invitae), Labcorp
Classification: Likely pathogenic for Glycogen storage disease, type VII. Last evaluated: 2020-02-28. Review status: criteria provided, single submitter. Criteria: Invitae Variant Classification Sherloc (09022015). Collection method: clinical testing. Allele origin: germline.
Comment: In summary, the currently available evidence indicates that the variant is pathogenic, but additional data are needed to prove that conclusively. Therefore, this variant has been classified as Likely Pathogenic. Donor and acceptor splice site variants typically lead to a loss of protein function (PMID: 16199547), and loss-of-function variants in PFKM are known to be pathogenic (PMID: 7825568, 8037209). Algorithms developed to predict the effect of sequence changes on RNA splicing suggest that this variant may disrupt the consensus splice site, but this prediction has not been confirmed by published transcriptional studies. This variant has not been reported in the literature in individuals with PFKM-related conditions. This variant is not present in population databases (ExAC no frequency). This sequence change affects a donor splice site in intron 3 of the PFKM gene. It is expected to disrupt RNA splicing and likely results in an absent or disrupted protein product.

Literature cited by the submitters: PubMed 16199547 (cited by Labcorp Genetics (formerly Invitae), Labcorp); PubMed 7825568 (cited by Labcorp Genetics (formerly Invitae), Labcorp); PubMed 8037209 (cited by Labcorp Genetics (formerly Invitae), Labcorp).

NM_000289.6(PFKM):c.159+1G>T

Gene: PFKM (phosphofructokinase, muscle; plus strand). Cytogenetic location: 12q13.11.
Variant type: single nucleotide variant.
Coding change: c.159+1G>T on transcript NM_000289.6 (MANE Select); the canonical splice donor site of the intron after coding-DNA position 159, G replaced by T.
Molecular consequence: splice donor variant. On other transcripts: intron variant (2).
Genome position (GRCh38, 1-based): chr12:48,130,437, G>T. VCF-style: chr12-48130437-G-T. GRCh37 (hg19) VCF-style: chr12-48524220-G-T.
Other names: c.159+1G>T (NM_000289.5, NM_001354742.2, NM_001354743.2 and 5 more transcripts); c.183+1G>T (NM_001354741.2); c.10-879G>T (NM_001354747.2, NM_001354748.2); c.372+1G>T (NM_001166686.2, NM_001354737.1, NM_001354739.1 and 1 more transcripts); c.468+1G>T (NM_001354736.1, NM_001354735.1); c.303+1G>T (NM_001354740.1); c.72+1G>T (NM_001354745.2).
Identifiers: ClinVar variation 1067544 (VCV001067544.14), dbSNP rs1305706304, ClinGen allele CA384539021.
Genomic context (GRCh38, chr12:48,130,437, plus strand): 5'-GTCAGGGCTGTGGTTCGAGTTGGTATCTTCACCGGTGCCCGTGTCTTCTTTGTCCATGAG[G>T]TTGGTTCTGTACTTTGTTCTTCATCATTCTTTCTCTGTCTTCTTCTAAATCTGCCTTCTA-3'